The following is an entry in ClinVar:

NM_001144060.2(NHSL1):c.3186G>A (p.Arg1062=)

Gene: NHSL1 (NHS like 1; minus strand). Cytogenetic location: 6q24.1.
Variant type: single nucleotide variant.
Coding change: c.3186G>A on transcript NM_001144060.2 (MANE Select); coding-DNA position 3186, G replaced by A.
Protein change: p.Arg1062=; no amino-acid change (arginine 1062 retained).
Molecular consequence: synonymous variant.
Genome position (GRCh38, 1-based): chr6:138,431,159, C>T on the plus strand (G>A on the coding strand, the complement: NHSL1 is on the minus strand). VCF-style: chr6-138431159-C-T. GRCh37 (hg19) VCF-style: chr6-138752296-C-T.
Other names: c.3198G>A, p.Arg1066= (NM_020464.2).
Identifiers: ClinVar variation 2656942 (VCV002656942.24), dbSNP rs1775626042, ClinGen allele CA452439012.

ClinVar aggregate classification (germline): Likely benign (1 of 4 stars; one submission).

Allele frequency attached by ClinVar (database versions not stated): gnomAD exomes 0.00001.
gnomAD v4.1: 4 of 1,551,262 alleles (0.00026%); highest among the groups gnomAD compares: Non-Finnish European, 0.00035%; no homozygotes.

Submission:

CeGaT Center for Human Genetics Tuebingen
Classification: Likely benign. Last evaluated: 2022-12-01. Review status: criteria provided, single submitter. Criteria: CeGaT Center For Human Genetics Tuebingen Variant Classification Criteria Version 2. Collection method: clinical testing. Allele origin: germline. Affected: yes. Observed: 1 variant allele.
Comment: NHSL1: PM2:Supporting, BP4, BP7